The following is an entry in ClinVar:

ClinVar aggregate classification (germline): Uncertain significance (1 of 4 stars; one submission).

Conditions:
Hereditary cancer-predisposing syndrome. Also called: Tumor predisposition; Neoplastic Syndromes, Hereditary; Hereditary Cancer Syndrome; Hereditary neoplastic syndrome. Identifiers: Orphanet 140162, MedGen C0027672, MeSH D009386, MONDO:0015356.

Submission:

Ambry Genetics
Classification: Uncertain significance for Hereditary cancer-predisposing syndrome. Last evaluated: 2024-10-11. Review status: criteria provided, single submitter. Criteria: Ambry Variant Classification Scheme 2023. Collection method: clinical testing. Allele origin: germline.
Comment: The p.N188S variant (also known as c.563A>G), located in coding exon 6 of the EPCAM gene, results from an A to G substitution at nucleotide position 563. The asparagine at codon 188 is replaced by serine, an amino acid with highly similar properties. This amino acid position is conserved. In addition, this alteration is predicted to be tolerated by in silico analysis. Based on the available evidence, the clinical significance of this variant remains unclear.

NM_002354.3(EPCAM):c.563A>G (p.Asn188Ser)

Gene: EPCAM (epithelial cell adhesion molecule; plus strand). Cytogenetic location: 2p21.
Variant type: single nucleotide variant.
Coding change: c.563A>G on transcript NM_002354.3 (MANE Select); coding-DNA position 563, A replaced by G.
Protein change: p.Asn188Ser; replaces asparagine 188 with serine.
Molecular consequence: missense variant.
Genome position (GRCh38, 1-based): chr2:47,378,960, A>G. VCF-style: chr2-47378960-A-G. GRCh37 (hg19) VCF-style: chr2-47606099-A-G.
Other names: short protein forms N188S.
Identifiers: ClinVar variation 3509192 (VCV003509192.1).